The following is an entry in ClinVar:

NM_015425.6(POLR1A):c.2143G>A (p.Ala715Thr)

Gene: POLR1A (RNA polymerase I subunit A; minus strand). Cytogenetic location: 2p11.2.
Variant type: single nucleotide variant.
Coding change: c.2143G>A on transcript NM_015425.6 (MANE Select); coding-DNA position 2143, G replaced by A.
Protein change: p.Ala715Thr; replaces alanine 715 with threonine.
Molecular consequence: missense variant.
Genome position (GRCh38, 1-based): chr2:86,054,205, C>T on the plus strand (G>A on the coding strand, the complement: POLR1A is on the minus strand). VCF-style: chr2-86054205-C-T. GRCh37 (hg19) VCF-style: chr2-86281328-C-T.
Other names: short protein forms A715T.
Identifiers: ClinVar variation 2776061 (VCV002776061.3), dbSNP rs1672856463, ClinGen allele CA347543519.

ClinVar aggregate classification (germline): Uncertain significance (1 of 4 stars; one submission).

Allele frequency attached by ClinVar (database versions not stated): gnomAD exomes below 0.00001.

Submission:

Labcorp Genetics (formerly Invitae), Labcorp
Classification: Uncertain significance. Last evaluated: 2023-10-06. Review status: criteria provided, single submitter. Criteria: Invitae Variant Classification Sherloc (09022015). Collection method: clinical testing. Allele origin: germline.
Comment: This sequence change replaces alanine, which is neutral and non-polar, with threonine, which is neutral and polar, at codon 715 of the POLR1A protein (p.Ala715Thr). This variant is not present in population databases (gnomAD no frequency). This variant has not been reported in the literature in individuals affected with POLR1A-related conditions. Advanced modeling of protein sequence and biophysical properties (such as structural, functional, and spatial information, amino acid conservation, physicochemical variation, residue mobility, and thermodynamic stability) performed at Invitae indicates that this missense variant is expected to disrupt POLR1A protein function. In summary, the available evidence is currently insufficient to determine the role of this variant in disease. Therefore, it has been classified as a Variant of Uncertain Significance.